The following is an entry in ClinVar:

NM_003172.4(SURF1):c.751+6T>C

Gene: SURF1 (SURF1 cytochrome c oxidase assembly factor; minus strand). Cytogenetic location: 9q34.2.
Variant type: single nucleotide variant.
Coding change: c.751+6T>C on transcript NM_003172.4 (MANE Select); 6 bases into the intron after coding-DNA position 751, T replaced by C.
Molecular consequence: intron variant.
Genome position (GRCh38, 1-based): chr9:133,352,440, A>G on the plus strand (T>C on the coding strand, the complement: SURF1 is on the minus strand). VCF-style: chr9-133352440-A-G. GRCh37 (hg19) VCF-style: chr9-136219295-A-G.
Other names: p.?; c.424+6T>C (NM_001280787.1).
Identifiers: ClinVar variation 139376 (VCV000139376.85), dbSNP rs41296099, ClinGen allele CA293833.

ClinVar aggregate classification (germline): Benign. Review status: criteria provided, multiple submitters, no conflicts (2 of 4 stars). 7 submissions from 7 submitters: Benign (7). Last evaluated 2026-09-01.

Conditions:
Leigh syndrome (NULS). Also called: Leigh Syndrome (mtDNA deletion); Leigh's syndrome; Leigh's necrotizing encephalopathy; Leigh's disease; Leigh Disease; Subacute necrotizing encephalopathy. Identifiers: Orphanet 506, MedGen C2931891, MONDO:0009723, OMIM 256000.

Allele frequency attached by ClinVar (database versions not stated): gnomAD exomes 0.00343 and 0.00533; ExAC 0.00568; 1000 Genomes Project 0.01138; 1000 Genomes Project 30x 0.01202; gnomAD 0.01322 and 0.01414; ESP Exome Variant Server 0.01369; TOPMed 0.01528.
gnomAD v4.1: 7,209 of 1,614,184 alleles (0.45%); highest among the groups gnomAD compares: African/African-American, 3.7%; 69 homozygotes.

Submissions (7):

CeGaT Center for Human Genetics Tuebingen
Classification: Benign. Last evaluated: 2026-09-01. Review status: criteria provided, single submitter. Criteria: CeGaT Center For Human Genetics Tuebingen Variant Classification Criteria Version 2. Collection method: clinical testing. Allele origin: germline. Affected: yes. Observed: 17 variant alleles.
Comment: SURF1: PP3, BS1, BS2

Labcorp Genetics (formerly Invitae), Labcorp
Classification: Benign for Leigh syndrome. Last evaluated: 2026-02-03. Review status: criteria provided, single submitter. Criteria: Invitae Variant Classification Sherloc (09022015). Collection method: clinical testing. Allele origin: germline.

ARUP Laboratories, Molecular Genetics and Genomics, ARUP Laboratories
Classification: Benign. Last evaluated: 2022-09-13. Review status: criteria provided, single submitter. Criteria: ARUP Molecular Germline Variant Investigation Process 2021. Collection method: clinical testing. Allele origin: germline.

Mayo Clinic Laboratories, Mayo Clinic
Classification: Benign. Last evaluated: 2021-07-26. Review status: criteria provided, single submitter. Criteria: ACMG Guidelines, 2015. Collection method: clinical testing. Allele origin: germline. Observed: 42 variant alleles.

Center for Pediatric Genomic Medicine, Children's Mercy Hospital and Clinics
Classification: Benign. Last evaluated: 2016-12-30. Review status: criteria provided, single submitter. Criteria: ACMG Guidelines, 2015. Collection method: clinical testing. Allele origin: germline.

GeneDx
Classification: Benign. Last evaluated: 2013-12-27. Review status: criteria provided, single submitter. Criteria: GeneDx Variant Classification (06012015). Collection method: clinical testing. Allele origin: germline. Affected: yes.
Comment: This variant is considered likely benign or benign based on one or more of the following criteria: it is a conservative change, it occurs at a poorly conserved position in the protein, it is predicted to be benign by multiple in silico algorithms, and/or has population frequency not consistent with disease.

Breakthrough Genomics
Classification: Benign. Review status: criteria provided, single submitter. Criteria: ACMG Guidelines, 2015. Collection method: not provided. Allele origin: germline. Inheritance: Autosomal recessive inheritance. Affected: yes.